The following is an entry in ClinVar:

ClinVar aggregate classification (germline): Uncertain significance (1 of 4 stars; one submission).

gnomAD v4.1: 5 of 1,614,068 alleles (0.00031%); highest among the groups gnomAD compares: Admixed American, 0.0083%; no homozygotes.

Submission:

Labcorp Genetics (formerly Invitae), Labcorp
Classification: Uncertain significance. Last evaluated: 2022-08-20. Review status: criteria provided, single submitter. Criteria: Invitae Variant Classification Sherloc (09022015). Collection method: clinical testing. Allele origin: germline.
Comment: This sequence change replaces histidine, which is basic and polar, with aspartic acid, which is acidic and polar, at codon 317 of the LAMB1 protein (p.His317Asp). This variant is present in population databases (no rsID available, gnomAD 0.01%). This variant has not been reported in the literature in individuals affected with LAMB1-related conditions. Algorithms developed to predict the effect of missense changes on protein structure and function (SIFT, PolyPhen-2, Align-GVGD) all suggest that this variant is likely to be disruptive. In summary, the available evidence is currently insufficient to determine the role of this variant in disease. Therefore, it has been classified as a Variant of Uncertain Significance.

NM_002291.3(LAMB1):c.949C>G (p.His317Asp)

Gene: LAMB1 (laminin subunit beta 1; minus strand). Cytogenetic location: 7q31.1.
Variant type: single nucleotide variant.
Coding change: c.949C>G on transcript NM_002291.3 (MANE Select); coding-DNA position 949, C replaced by G.
Protein change: p.His317Asp; replaces histidine 317 with aspartic acid.
Molecular consequence: missense variant.
Genome position (GRCh38, 1-based): chr7:107,978,098, G>C on the plus strand (C>G on the coding strand, the complement: LAMB1 is on the minus strand). VCF-style: chr7-107978098-G-C. GRCh37 (hg19) VCF-style: chr7-107618543-G-C.
Other names: short protein forms H317D.
Identifiers: ClinVar variation 2416559 (VCV002416559.3), dbSNP rs1253775399, ClinGen allele CA368878714.
Genomic context (GRCh38, chr7:107,978,098, plus strand): 5'-CAGACTTACTTTTACAGGCGTTGCTGTTTCGGCCTTCAGCAGGTCTCCAAGGTAAATCAT[G>C]GTAGAAATCCATGCAGAGTTCACAGTTTAAGCCCTTGGTGTTATGCCTGCACATGCAGTG-3'
Protein context (NP_002282.2, residues 307-327): LNCELCMDFY[His317Asp]DLPWRPAEGR